The following is an entry in ClinVar:

NM_000217.3(KCNA1):c.206G>C (p.Arg69Pro)

Gene: KCNA1 (potassium voltage-gated channel subfamily A member 1; plus strand). Cytogenetic location: 12p13.32.
Variant type: single nucleotide variant.
Coding change: c.206G>C on transcript NM_000217.3 (MANE Select); coding-DNA position 206, G replaced by C.
Protein change: p.Arg69Pro; replaces arginine 69 with proline.
Molecular consequence: missense variant.
Genome position (GRCh38, 1-based): chr12:4,911,584, G>C. VCF-style: chr12-4911584-G-C. GRCh37 (hg19) VCF-style: chr12-5020750-G-C.
Other names: short protein forms R69P.
Identifiers: ClinVar variation 1477243 (VCV001477243.6), dbSNP rs2137672874, ClinGen allele CA383454031.

ClinVar aggregate classification (germline): Uncertain significance (1 of 4 stars; one submission).

Conditions:
Episodic ataxia type 1 (EA1). Also called: Episodic ataxia/myokymia syndrome; ATAXIA, EPISODIC, WITH MYOKYMIA; MYOKYMIA WITH PERIODIC ATAXIA; PAROXYSMAL ATAXIA WITH NEUROMYOTONIA, HEREDITARY. Identifiers: Orphanet 37612, Orphanet 972, MedGen C1719788, MONDO:0008047, OMIM 160120.

Submission:

Labcorp Genetics (formerly Invitae), Labcorp
Classification: Uncertain significance for Episodic ataxia type 1. Last evaluated: 2021-08-16. Review status: criteria provided, single submitter. Criteria: Invitae Variant Classification Sherloc (09022015). Collection method: clinical testing. Allele origin: germline.
Comment: In summary, the available evidence is currently insufficient to determine the role of this variant in disease. Therefore, it has been classified as a Variant of Uncertain Significance. This sequence change replaces arginine with proline at codon 69 of the KCNA1 protein (p.Arg69Pro). The arginine residue is highly conserved and there is a moderate physicochemical difference between arginine and proline. This variant is not present in population databases (ExAC no frequency). This variant has not been reported in the literature in individuals affected with KCNA1-related conditions. Algorithms developed to predict the effect of missense changes on protein structure and function (SIFT, PolyPhen-2, Align-GVGD) all suggest that this variant is likely to be disruptive.